The following is an entry in ClinVar:

ClinVar aggregate classification (germline): Uncertain significance (1 of 4 stars; one submission).

Allele frequency attached by ClinVar (database versions not stated): gnomAD exomes below 0.00001; TOPMed below 0.00001; ExAC 0.00001.
gnomAD v4.1: 3 of 1,614,082 alleles (0.00019%); highest among the groups gnomAD compares: Non-Finnish European, 0.00017%; no homozygotes.

Submission:

Labcorp Genetics (formerly Invitae), Labcorp
Classification: Uncertain significance. Last evaluated: 2022-08-21. Review status: criteria provided, single submitter. Criteria: Invitae Variant Classification Sherloc (09022015). Collection method: clinical testing. Allele origin: germline.
Comment: This variant has not been reported in the literature in individuals affected with PDZD7-related conditions. This variant is present in population databases (rs764651720, gnomAD 0.0009%). This sequence change replaces serine, which is neutral and polar, with phenylalanine, which is neutral and non-polar, at codon 24 of the PDZD7 protein (p.Ser24Phe). Algorithms developed to predict the effect of missense changes on protein structure and function are either unavailable or do not agree on the potential impact of this missense change (SIFT: "Deleterious"; PolyPhen-2: "Not Available"; Align-GVGD: "Class C0"). In summary, the available evidence is currently insufficient to determine the role of this variant in disease. Therefore, it has been classified as a Variant of Uncertain Significance.

NM_001195263.2(PDZD7):c.71C>T (p.Ser24Phe)

Gene: PDZD7 (PDZ domain containing 7; minus strand). Cytogenetic location: 10q24.31.
Variant type: single nucleotide variant.
Coding change: c.71C>T on transcript NM_001195263.2 (MANE Select); coding-DNA position 71, C replaced by T.
Protein change: p.Ser24Phe; replaces serine 24 with phenylalanine.
Molecular consequence: missense variant.
Genome position (GRCh38, 1-based): chr10:101,030,149, G>A on the plus strand (C>T on the coding strand, the complement: PDZD7 is on the minus strand). VCF-style: chr10-101030149-G-A. GRCh37 (hg19) VCF-style: chr10-102789906-G-A.
Other names: c.71C>T, p.Ser24Phe (NM_001351044.2, NM_024895.5); short protein forms S24F.
Identifiers: ClinVar variation 1715641 (VCV001715641.5), dbSNP rs764651720, ClinGen allele CA5654514.